The following is an entry in ClinVar:

ClinVar aggregate classification (germline): Pathogenic (1 of 4 stars; one submission).

Conditions:
Congenital factor V deficiency. Also called: Hereditary factor V deficiency disease; LABILE FACTOR DEFICIENCY; OWREN PARAHEMOPHILIA; PARAHEMOPHILIA. Identifiers: Orphanet 326, MedGen C0015499, MONDO:0009210, OMIM 227400.

Submission:

Kasturba Medical College, Manipal, Kasturba Medical College, Manipal, Manipal Academy of Higher Education, Manipal, India
Classification: Pathogenic for Congenital factor V deficiency. Review status: criteria provided, single submitter. Criteria: ACMG Guidelines, 2015. Collection method: research. Allele origin: germline. Inheritance: Autosomal recessive inheritance. Affected: no. Observed: 1 heterozygote.
Comment: This variant is not found in in gnomAD population database (v4.1.0) or our in-house database of 3369 exomes. Bi-allelic variants in F5 are associated with factor V deficiency (MIM #227400) characterized by recurrent bleeding episodes and prolonged activated partial thromboplastin time and prothrombin time.

NM_000130.5(F5):c.6048G>A (p.Met2016Ile)

Gene: F5 (coagulation factor V; minus strand). Cytogenetic location: 1q24.2.
Variant type: single nucleotide variant.
Coding change: c.6048G>A on transcript NM_000130.5 (MANE Select); coding-DNA position 6048, G replaced by A.
Protein change: p.Met2016Ile; replaces methionine 2016 with isoleucine.
Molecular consequence: missense variant.
Genome position (GRCh38, 1-based): chr1:169,523,197, C>T on the plus strand (G>A on the coding strand, the complement: F5 is on the minus strand). VCF-style: chr1-169523197-C-T. GRCh37 (hg19) VCF-style: chr1-169492435-C-T.
Other names: short protein forms M2016I.
Identifiers: ClinVar variation 3393327 (VCV003393327.2).